The following is an entry in ClinVar:

NM_001135651.3(EIF2AK2):c.906C>T (p.Asn302=)

Gene: EIF2AK2 (eukaryotic translation initiation factor 2 alpha kinase 2; minus strand). Cytogenetic location: 2p22.2.
Variant type: single nucleotide variant.
Coding change: c.906C>T on transcript NM_001135651.3 (MANE Select); coding-DNA position 906, C replaced by T.
Protein change: p.Asn302=; no amino-acid change (asparagine 302 retained).
Molecular consequence: synonymous variant. On other transcripts: intron variant (1).
Genome position (GRCh38, 1-based): chr2:37,126,291, G>A on the plus strand (C>T on the coding strand, the complement: EIF2AK2 is on the minus strand). VCF-style: chr2-37126291-G-A. GRCh37 (hg19) VCF-style: chr2-37353434-G-A.
Other names: c.906C>T, p.Asn302= (NM_002759.4); c.786-3627C>T (NM_001135652.2).
Identifiers: ClinVar variation 2194041 (VCV002194041.27), dbSNP rs200941283, ClinGen allele CA1615156.

ClinVar aggregate classification (germline): Benign. Review status: criteria provided, multiple submitters, no conflicts (2 of 4 stars). 2 submissions from 2 submitters: Benign (2). Last evaluated 2026-09-01.

Allele frequency attached by ClinVar (database versions not stated): TOPMed 0.00011; gnomAD exomes 0.00093; 1000 Genomes Project 0.00439; 1000 Genomes Project 30x 0.00484; ESP Exome Variant Server 0.00008; gnomAD 0.00055; ExAC 0.00227.
gnomAD v4.1: 1,426 of 1,588,120 alleles (0.09%); highest among the groups gnomAD compares: South Asian, 1.5%; 25 homozygotes.

Submissions (2):

CeGaT Center for Human Genetics Tuebingen
Classification: Benign. Last evaluated: 2026-09-01. Review status: criteria provided, single submitter. Criteria: CeGaT Center For Human Genetics Tuebingen Variant Classification Criteria Version 2. Collection method: clinical testing. Allele origin: germline. Affected: yes. Observed: 4 variant alleles.
Comment: EIF2AK2: BP4, BP7, BS1, BS2

Labcorp Genetics (formerly Invitae), Labcorp
Classification: Benign. Last evaluated: 2025-06-19. Review status: criteria provided, single submitter. Criteria: Invitae Variant Classification Sherloc (09022015). Collection method: clinical testing. Allele origin: germline.